The following is an entry in ClinVar:

NM_001039374.5(CCDC183):c.272T>A (p.Val91Glu)

Gene: CCDC183 (coiled-coil domain containing 183; plus strand). Cytogenetic location: 9q34.3.
Variant type: single nucleotide variant.
Coding change: c.272T>A on transcript NM_001039374.5 (MANE Select); coding-DNA position 272, T replaced by A.
Protein change: p.Val91Glu; replaces valine 91 with glutamic acid.
Molecular consequence: missense variant.
Genome position (GRCh38, 1-based): chr9:136,800,003, T>A. VCF-style: chr9-136800003-T-A. GRCh37 (hg19) VCF-style: chr9-139694455-T-A.
Other names: short protein forms V91E.
Identifiers: ClinVar variation 4083775 (VCV004083775.8).

ClinVar aggregate classification (germline): Likely benign (1 of 4 stars; one submission).

gnomAD v4.1: 4,954 of 1,585,708 alleles (0.31%); highest among the groups gnomAD compares: Non-Finnish European, 0.32%; 19 homozygotes.

Submission:

CeGaT Center for Human Genetics Tuebingen
Classification: Likely benign. Last evaluated: 2026-08-01. Review status: criteria provided, single submitter. Criteria: CeGaT Center For Human Genetics Tuebingen Variant Classification Criteria Version 2. Collection method: clinical testing. Allele origin: germline. Affected: yes. Observed: 6 variant alleles.
Comment: CCDC183: BP4, BS2